The following is an entry in ClinVar:

ClinVar aggregate classification (germline): Likely benign (1 of 4 stars; one submission).

Conditions:
LYST-related disorder. Also called: LYST-related condition.

gnomAD v4.1: 1 of 1,613,492 alleles (0.000062%); highest among the groups gnomAD compares: Non-Finnish European, 0.000085%; no homozygotes.

Submission:

PreventionGenetics, part of Exact Sciences
Classification: Likely benign for LYST-related condition. Last evaluated: 2025-04-24. Review status: criteria provided, single submitter. Criteria: ACMG Guidelines, 2015. Collection method: clinical testing. Allele origin: germline.
Comment: This variant is classified as likely benign based on ACMG/AMP sequence variant interpretation guidelines (Richards et al. 2015 PMID: 25741868, with internal and published modifications).

NM_000081.4(LYST):c.9555A>T (p.Ile3185=)

Gene: LYST (lysosomal trafficking regulator; minus strand). Cytogenetic location: 1q42.3.
Variant type: single nucleotide variant.
Coding change: c.9555A>T on transcript NM_000081.4 (MANE Select); coding-DNA position 9555, A replaced by T.
Protein change: p.Ile3185=; no amino-acid change (isoleucine 3185 retained).
Molecular consequence: synonymous variant.
Genome position (GRCh38, 1-based): chr1:235,720,666, T>A on the plus strand (A>T on the coding strand, the complement: LYST is on the minus strand). VCF-style: chr1-235720666-T-A. GRCh37 (hg19) VCF-style: chr1-235883966-T-A.
Other names: c.9555A>T, p.Ile3185= (NM_001301365.1).
Identifiers: ClinVar variation 4999608 (VCV004999608.1).